The following is an entry in ClinVar:

ClinVar aggregate classification (germline): Uncertain significance (1 of 4 stars; one submission).

Conditions:
Severe early-onset pulmonary alveolar proteinosis due to MARS deficiency. Also called: PULMONARY ALVEOLAR PROTEINOSIS, REUNION ISLAND; Interstitial lung and liver disease. Identifiers: Orphanet 440427, MedGen C4225400, MONDO:0014206, OMIM 615486.
Charcot-Marie-Tooth disease axonal type 2U. Also called: CHARCOT-MARIE-TOOTH NEUROPATHY, TYPE 2U; CHARCOT-MARIE-TOOTH DISEASE, AXONAL, AUTOSOMAL DOMINANT, TYPE 2U. Identifiers: Orphanet 397735, MedGen C4084821, MONDO:0014566, OMIM 616280.

Allele frequency attached by ClinVar (database versions not stated): gnomAD exomes below 0.00001.
gnomAD v4.1: 1 of 1,613,832 alleles (0.000062%); highest among the groups gnomAD compares: Non-Finnish European, 0.000085%; no homozygotes.

Submission:

Labcorp Genetics (formerly Invitae), Labcorp
Classification: Uncertain significance for Charcot-Marie-Tooth disease axonal type 2U; Severe early-onset pulmonary alveolar proteinosis due to MARS deficiency. Last evaluated: 2021-03-07. Review status: criteria provided, single submitter. Criteria: Invitae Variant Classification Sherloc (09022015). Collection method: clinical testing. Allele origin: germline.
Comment: In summary, the available evidence is currently insufficient to determine the role of this variant in disease. Therefore, it has been classified as a Variant of Uncertain Significance. This sequence change falls in intron 9 of the MARS gene. It does not directly change the encoded amino acid sequence of the MARS protein. It affects a nucleotide within the consensus splice site of the intron. This variant is not present in population databases (ExAC no frequency). This variant has not been reported in the literature in individuals with MARS-related conditions. Nucleotide substitutions within the consensus splice site are a relatively common cause of aberrant splicing (PMID: 17576681, 9536098). Algorithms developed to predict the effect of sequence changes on RNA splicing suggest that this variant is not likely to affect RNA splicing, but this prediction has not been confirmed by published transcriptional studies.

Literature cited by the submitters: PubMed 17576681; PubMed 9536098.

NM_004990.4(MARS1):c.1091+3A>G

Gene: MARS1 (methionyl-tRNA synthetase 1; plus strand). Cytogenetic location: 12q13.3.
Variant type: single nucleotide variant.
Coding change: c.1091+3A>G on transcript NM_004990.4 (MANE Select); 3 bases into the intron after coding-DNA position 1091, A replaced by G.
Molecular consequence: intron variant.
Genome position (GRCh38, 1-based): chr12:57,498,626, A>G. VCF-style: chr12-57498626-A-G. GRCh37 (hg19) VCF-style: chr12-57892409-A-G.
Identifiers: ClinVar variation 1681717 (VCV001681717.6), dbSNP rs2140017230, ClinGen allele CA2573148841.
Genomic context (GRCh38, chr12:57,498,626, plus strand): 5'-GCTGGTTTAACATTTCGTTTGATATTTTTGGTCGCACCACCACTCCACAGCAGACCAAGT[A>G]AGTTTCCTCTAATGAGGCAGAAATGGGGCTTGAAGGCTGAGACTGGGAACAGTGGGAGTA-3'